The following is an entry in ClinVar:

NM_019032.6(ADAMTSL4):c.-143C>T

Genes: ADAMTSL4-AS2 (ADAMTSL4 antisense RNA 2; minus strand), ADAMTSL4 (ADAMTS like 4; plus strand). Cytogenetic location: 1q21.2.
Variant type: single nucleotide variant.
Coding change: c.-143C>T on transcript NM_019032.6 (MANE Select); 143 bases upstream of the start codon, C replaced by T.
Molecular consequence: 5 prime UTR variant.
Genome position (GRCh38, 1-based): chr1:150,549,837, C>T. VCF-style: chr1-150549837-C-T. GRCh37 (hg19) VCF-style: chr1-150522313-C-T.
Other names: c.-143C>T (NM_001288607.2, NM_001288608.2, NM_025008.5); c.-524C>T (NM_001378596.1).
Identifiers: ClinVar variation 292513 (VCV000292513.6), dbSNP rs12061739, ClinGen allele CA10608064.
Genomic context (GRCh38, chr1:150,549,837, plus strand): 5'-CCCATGACCTCCCCGCGCGGCCGGTGCCTCCTGCCCTCTCTCTAGGAGGGTGCTCTCGGA[C>T]GGTGTGTCCCCCACTGCACTCCTGAACTTGGAGGACAGGGTCGCCGCGAGGGACGCAGGT-3'

ClinVar aggregate classification (germline): Benign. Review status: criteria provided, multiple submitters, no conflicts (2 of 4 stars). 2 submissions from 2 submitters: Benign (2). Last evaluated 2018-01-13.

Conditions:
Ectopia lentis 2, isolated, autosomal recessive (ECTOL2). Identifiers: Orphanet 1885, MedGen C3541474, MONDO:0009152, OMIM 225100.

Allele frequency attached by ClinVar (database versions not stated): gnomAD exomes 0.00179; 1000 Genomes Project 0.01138; 1000 Genomes Project 30x 0.01140; gnomAD 0.01228 and 0.01320; TOPMed 0.01297.

Submissions (2):

Illumina Laboratory Services, Illumina
Classification: Benign for Ectopia lentis 2, isolated, autosomal recessive. Last evaluated: 2018-01-13. Review status: criteria provided, single submitter. Criteria: ICSL Variant Classification Criteria 13 December 2019. Collection method: clinical testing. Allele origin: germline.
Comment: This variant was observed in the ICSL laboratory as part of a predisposition screen in an ostensibly healthy population. It had not been previously curated by ICSL or reported in the Human Gene Mutation Database (HGMD: prior to June 1st, 2018), and was therefore a candidate for classification through an automated scoring system. Utilizing variant allele frequency, disease prevalence and penetrance estimates, and inheritance mode, an automated score was calculated to assess if this variant is too frequent to cause the disease. Based on the score and internal cut-off values, a variant classified as benign is not then subjected to further curation. The score for this variant resulted in a classification of benign for this disease.

Breakthrough Genomics
Classification: Benign. Review status: criteria provided, single submitter. Criteria: ACMG Guidelines, 2015. Collection method: not provided. Allele origin: germline. Inheritance: Autosomal recessive inheritance. Affected: yes.